The following is an entry in ClinVar:

NM_000393.5(COL5A2):c.3364G>A (p.Gly1122Arg)

Gene: COL5A2 (collagen type V alpha 2 chain; minus strand). Cytogenetic location: 2q32.2.
Variant type: single nucleotide variant.
Coding change: c.3364G>A on transcript NM_000393.5 (MANE Select); coding-DNA position 3364, G replaced by A.
Protein change: p.Gly1122Arg; replaces glycine 1122 with arginine.
Molecular consequence: missense variant.
Genome position (GRCh38, 1-based): chr2:189,043,258, C>T on the plus strand (G>A on the coding strand, the complement: COL5A2 is on the minus strand). VCF-style: chr2-189043258-C-T. GRCh37 (hg19) VCF-style: chr2-189907984-C-T.
Other names: short protein forms G1122R.
Identifiers: ClinVar variation 2122216 (VCV002122216.4), dbSNP rs2469232610, ClinGen allele CA349861125.

ClinVar aggregate classification (germline): Uncertain significance (1 of 4 stars; one submission).

Conditions:
Ehlers-Danlos syndrome, classic type, 1 (EDSCL1). Also called: EHLERS-DANLOS SYNDROME, GRAVIS TYPE; EHLERS-DANLOS SYNDROME, SEVERE CLASSIC TYPE; Ehlers-Danlos syndrome, type 1; EDS I; Ehlers-Danlos Syndrome, Classic Type, COL5A1-Related. Identifiers: MedGen C0268335, MONDO:0019567, OMIM 130000.

gnomAD v4.1: 1 of 1,604,758 alleles (0.000062%); no homozygotes.

Submission:

Labcorp Genetics (formerly Invitae), Labcorp
Classification: Uncertain significance for Ehlers-Danlos syndrome, classic type, 1. Last evaluated: 2022-04-29. Review status: criteria provided, single submitter. Criteria: Invitae Variant Classification Sherloc (09022015). Collection method: clinical testing. Allele origin: germline.
Comment: This sequence change replaces glycine, which is neutral and non-polar, with arginine, which is basic and polar, at codon 1122 of the COL5A2 protein (p.Gly1122Arg). This variant is not present in population databases (gnomAD no frequency). This variant has not been reported in the literature in individuals affected with COL5A2-related conditions. Algorithms developed to predict the effect of missense changes on protein structure and function are either unavailable or do not agree on the potential impact of this missense change (SIFT: "Deleterious"; PolyPhen-2: "Not Available"; Align-GVGD: "Class C15"). In summary, the available evidence is currently insufficient to determine the role of this variant in disease. Therefore, it has been classified as a Variant of Uncertain Significance.